The following is an entry in ClinVar:

NM_025144.4(ALPK1):c.233C>A (p.Thr78Lys)

Gene: ALPK1 (alpha kinase 1; plus strand). Cytogenetic location: 4q25.
Variant type: single nucleotide variant.
Coding change: c.233C>A on transcript NM_025144.4 (MANE Select); coding-DNA position 233, C replaced by A.
Protein change: p.Thr78Lys; replaces threonine 78 with lysine.
Molecular consequence: missense variant. On other transcripts: intron variant (1).
Genome position (GRCh38, 1-based): chr4:112,382,509, C>A. VCF-style: chr4-112382509-C-A. GRCh37 (hg19) VCF-style: chr4-113303665-C-A.
Other names: c.233C>A, p.Thr78Lys (NM_001102406.2); c.42+4611C>A (NM_001253884.2); short protein forms T78K.
Identifiers: ClinVar variation 3000431 (VCV003000431.3), dbSNP rs746624721, ClinGen allele CA357988628.

ClinVar aggregate classification (germline): Uncertain significance (1 of 4 stars; one submission).

Submission:

Labcorp Genetics (formerly Invitae), Labcorp
Classification: Uncertain significance. Last evaluated: 2025-01-30. Review status: criteria provided, single submitter. Criteria: Invitae Variant Classification Sherloc (09022015). Collection method: clinical testing. Allele origin: germline.
Comment: This sequence change replaces threonine, which is neutral and polar, with lysine, which is basic and polar, at codon 78 of the ALPK1 protein (p.Thr78Lys). This variant is present in population databases (no rsID available, gnomAD 0.02%). This variant has not been reported in the literature in individuals affected with ALPK1-related conditions. ClinVar contains an entry for this variant (Variation ID: 3000431). Invitae Evidence Modeling of protein sequence and biophysical properties (such as structural, functional, and spatial information, amino acid conservation, physicochemical variation, residue mobility, and thermodynamic stability) indicates that this missense variant is not expected to disrupt ALPK1 protein function with a negative predictive value of 80%. In summary, the available evidence is currently insufficient to determine the role of this variant in disease. Therefore, it has been classified as a Variant of Uncertain Significance.